The following is an entry in ClinVar:

NM_015100.4(POGZ):c.916C>T (p.Arg306Ter)

Gene: POGZ (pogo transposable element derived with ZNF domain; minus strand). Cytogenetic location: 1q21.3.
Variant type: single nucleotide variant.
Coding change: c.916C>T on transcript NM_015100.4 (MANE Select); coding-DNA position 916, C replaced by T.
Protein change: p.Arg306Ter; replaces arginine 306 with a stop codon.
Molecular consequence: nonsense.
Genome position (GRCh38, 1-based): chr1:151,427,985, G>A on the plus strand (C>T on the coding strand, the complement: POGZ is on the minus strand). VCF-style: chr1-151427985-G-A. GRCh37 (hg19) VCF-style: chr1-151400461-G-A.
Other names: c.889C>T, p.Arg297Ter (NM_001194937.2); c.730C>T, p.Arg244Ter (NM_001194938.2); c.631C>T, p.Arg211Ter (NM_145796.4); c.757C>T, p.Arg253Ter (NM_207171.2); short protein forms R306*, R253*, R297*, R244*, R211*.
Identifiers: ClinVar variation 620481 (VCV000620481.6), dbSNP rs1557909777, ClinGen allele CA341976462.

ClinVar aggregate classification (germline): Pathogenic/Likely pathogenic. Review status: criteria provided, multiple submitters, no conflicts (2 of 4 stars). 4 submissions from 4 submitters: Pathogenic (2); Likely pathogenic (1). 1 of the submissions does not count toward it. Last evaluated 2026-09-01.

Conditions:
Inborn genetic diseases. Identifiers: MedGen C0950123, MeSH D030342.
POGZ-related disorder. Also called: POGZ-related condition.
Intellectual disability-microcephaly-strabismus-behavioral abnormalities syndrome. Also called: White-Sutton Syndrome. Identifiers: Orphanet 468678, MedGen C4225351, MONDO:0014606, OMIM 616364.

Submissions (4):

GeneDx
Classification: Pathogenic. Last evaluated: 2026-09-01. Review status: criteria provided, single submitter. Criteria: GeneDx Variant Classification Process June 2021. Collection method: clinical testing. Allele origin: germline.
Comment: Nonsense variant predicted to result in protein truncation or nonsense mediated decay in a gene for which loss of function is a known mechanism of disease; Not observed at significant frequency in large population cohorts (gnomAD); Has not been previously reported as pathogenic or benign in association with POGZ-related disorders to our knowledge; This variant is associated with the following publications: (PMID: 36475376)

Ambry Genetics
Classification: Pathogenic for Inborn genetic diseases. Last evaluated: 2026-04-08. Review status: criteria provided, single submitter. Criteria: Ambry Variant Classification Scheme 2023. Collection method: clinical testing. Allele origin: germline.
Comment: The c.916C>T (p.R306*) alteration, located in exon 7 (coding exon 6) of the POGZ gene, consists of a C to T substitution at nucleotide position 916. This changes the amino acid from a arginine (R) to a stop codon at amino acid position 306. This variant is expected to result in loss of function by premature protein truncation or nonsense-mediated mRNA decay. This variant was not reported in population-based cohorts in the Genome Aggregation Database (gnomAD). Based on the available evidence, this alteration is classified as pathogenic.

Blueprint Genetics
Classification: Likely pathogenic for POGZ-related disorders. Last evaluated: 2023-05-03. Review status: criteria provided, single submitter. Criteria: ACMG Guidelines, 2015. Collection method: clinical testing. Allele origin: germline. Affected: yes. Observed: 1 variant allele.

Clinical Genetics Laboratory, University Hospital Schleswig-Holstein
Classification: Pathogenic for Intellectual disability-microcephaly-strabismus-behavioral abnormalities syndrome. Last evaluated: 2021-05-06. Review status: no assertion criteria provided. Collection method: clinical testing. Allele origin: germline. Affected: yes. Not counted in ClinVar's aggregate classification.